The following is an entry in ClinVar:

NM_000093.5(COL5A1):c.217G>A (p.Val73Ile)

Gene: COL5A1 (collagen type V alpha 1 chain; plus strand). Cytogenetic location: 9q34.3.
Variant type: single nucleotide variant.
Coding change: c.217G>A on transcript NM_000093.5 (MANE Select); coding-DNA position 217, G replaced by A.
Protein change: p.Val73Ile; replaces valine 73 with isoleucine.
Molecular consequence: missense variant.
Genome position (GRCh38, 1-based): chr9:134,691,019, G>A. VCF-style: chr9-134691019-G-A. GRCh37 (hg19) VCF-style: chr9-137582865-G-A.
Other names: c.217G>A, p.Val73Ile (NM_001278074.1); short protein forms V73I.
Identifiers: ClinVar variation 1318477 (VCV001318477.10), dbSNP rs148793863, ClinGen allele CA5318236.

ClinVar aggregate classification (germline): Conflicting classifications of pathogenicity. Review status: criteria provided, conflicting classifications (1 of 4 stars). 2 submissions from 2 submitters: Uncertain significance (1); Likely benign (1). Last evaluated 2026-01-25.

Conditions:
Ehlers-Danlos syndrome, classic type, 1 (EDSCL1). Also called: EHLERS-DANLOS SYNDROME, GRAVIS TYPE; EHLERS-DANLOS SYNDROME, SEVERE CLASSIC TYPE; Ehlers-Danlos syndrome, type 1; EDS I; Ehlers-Danlos Syndrome, Classic Type, COL5A1-Related. Identifiers: MedGen C0268335, MONDO:0019567, OMIM 130000.

Allele frequency attached by ClinVar (database versions not stated): ExAC 0.00001; gnomAD 0.00002; ESP Exome Variant Server 0.00008; TOPMed 0.00001; gnomAD exomes 0.00002 and 0.00001.
gnomAD v4.1: 30 of 1,613,680 alleles (0.0019%); highest among the groups gnomAD compares: Non-Finnish European, 0.0025%; no homozygotes.

Submissions (2):

Labcorp Genetics (formerly Invitae), Labcorp
Classification: Likely benign for Ehlers-Danlos syndrome, classic type, 1. Last evaluated: 2026-01-25. Review status: criteria provided, single submitter. Criteria: Invitae Variant Classification Sherloc (09022015). Collection method: clinical testing. Allele origin: germline.

GeneDx
Classification: Uncertain significance. Last evaluated: 2021-11-17. Review status: criteria provided, single submitter. Criteria: GeneDx Variant Classification Process June 2021. Collection method: clinical testing. Allele origin: germline. Affected: yes.
Comment: Has not been previously published as pathogenic or benign to our knowledge; Not observed at significant frequency in large population cohorts (Lek et al., 2016); In silico analysis supports that this missense variant does not alter protein structure/function; Not located in the triple helical region, where the majority of pathogenic missense variants occur (Symoens et al., 2012; Stenson et al., 2014)